The following is an entry in ClinVar:

ClinVar aggregate classification (germline): Pathogenic (0 of 4 stars; one submission).

Submission:

GenMed Metabolism Lab
Classification: Pathogenic. Review status: no assertion criteria provided. Collection method: not provided. Allele origin: unknown.
ClinVar note: Converted during submission from pathogenic to Pathogenic.

NM_000531.6(OTC):c.577T>G (p.Trp193Gly)

Gene: OTC (ornithine transcarbamylase; plus strand). Cytogenetic location: Xp11.4.
Variant type: single nucleotide variant.
Coding change: c.577T>G on transcript NM_000531.6 (MANE Select); coding-DNA position 577, T replaced by G.
Protein change: p.Trp193Gly; replaces tryptophan 193 with glycine.
Molecular consequence: missense variant.
Genome position (GRCh38, 1-based): chrX:38,403,654, T>G. VCF-style: chrX-38403654-T-G. GRCh37 (hg19) VCF-style: chrX-38262907-T-G.
Other names: short protein forms W193G.
Identifiers: ClinVar variation 97253 (VCV000097253.2), dbSNP rs67284661, ClinGen allele CA224686.